The following is an entry in ClinVar:

NM_012254.3(SLC27A5):c.176G>C (p.Trp59Ser)

Gene: SLC27A5 (solute carrier family 27 member 5; minus strand). Cytogenetic location: 19q13.43.
Variant type: single nucleotide variant.
Coding change: c.176G>C on transcript NM_012254.3 (MANE Select); coding-DNA position 176, G replaced by C.
Protein change: p.Trp59Ser; replaces tryptophan 59 with serine.
Molecular consequence: missense variant.
Genome position (GRCh38, 1-based): chr19:58,511,780, C>G on the plus strand (G>C on the coding strand, the complement: SLC27A5 is on the minus strand). VCF-style: chr19-58511780-C-G. GRCh37 (hg19) VCF-style: chr19-59023147-C-G.
Other names: c.176G>C, p.Trp59Ser (NM_001321196.2); short protein forms W59S.
Identifiers: ClinVar variation 4702756 (VCV004702756.1).

ClinVar aggregate classification (germline): Uncertain significance (1 of 4 stars; one submission).

Submission:

Labcorp Genetics (formerly Invitae), Labcorp
Classification: Uncertain significance. Last evaluated: 2025-08-29. Review status: criteria provided, single submitter. Criteria: Invitae Variant Classification Sherloc (09022015). Collection method: clinical testing. Allele origin: germline.
Comment: This sequence change replaces tryptophan, which is neutral and slightly polar, with serine, which is neutral and polar, at codon 59 of the SLC27A5 protein (p.Trp59Ser). This variant is not present in population databases (gnomAD no frequency). This variant has not been reported in the literature in individuals affected with SLC27A5-related conditions. An algorithm developed to predict the effect of missense changes on protein structure and function (PolyPhen-2) suggests that this variant is likely to be disruptive. In summary, the available evidence is currently insufficient to determine the role of this variant in disease. Therefore, it has been classified as a Variant of Uncertain Significance.